The following is an entry in ClinVar:

ClinVar aggregate classification (germline): Conflicting classifications of pathogenicity. Review status: criteria provided, conflicting classifications (1 of 4 stars). 2 submissions from 2 submitters: Likely pathogenic (1); Uncertain significance (1). Last evaluated 2021-06-04.

Conditions:
Hereditary cancer-predisposing syndrome. Also called: Tumor predisposition; Hereditary neoplastic syndrome; Hereditary Cancer Syndrome; Neoplastic Syndromes, Hereditary. Identifiers: Orphanet 140162, MedGen C0027672, MeSH D009386, MONDO:0015356.

Submissions (2):

Women's Health and Genetics/Laboratory Corporation of America, LabCorp
Classification: Uncertain significance. Last evaluated: 2021-06-04. Review status: criteria provided, single submitter. Criteria: LabCorp Variant Classification Summary - May 2015. Collection method: clinical testing. Allele origin: germline.
Comment: Variant summary: MEN1 c.776T>C (p.Leu259Pro) results in a non-conservative amino acid change in the encoded protein sequence. Four of four in-silico tools predict a damaging effect of the variant on protein function. The variant was absent in 251196 control chromosomes. These data indicate that the variant may be associated with disease. To our knowledge, no experimental evidence demonstrating an impact on protein function has been reported. No clinical diagnostic laboratories have submitted clinical-significance assessments for this variant to ClinVar after 2014. Based on the evidence outlined above, the variant was classified as VUS-possibly pathogenic.

Ambry Genetics
Classification: Likely pathogenic for Hereditary cancer-predisposing syndrome. Last evaluated: 2021-03-30. Review status: criteria provided, single submitter. Criteria: Ambry Variant Classification Scheme 2023. Collection method: clinical testing. Allele origin: germline.
Comment: The p.L259P variant (also known as c.776T>C), located in coding exon 3 of the MEN1 gene, results from a T to C substitution at nucleotide position 776. The leucine at codon 259 is replaced by proline, an amino acid with similar properties. This alteration has been identified in an individual diagnosed with primary hyperparathyroidism and non-functioning neuroendocrine tumors of the pancreas and stomach (Peppa M et al. Clin Endocrinol (Oxf), 2009 Jan;70:75-81). Based on internal structural analysis, this alteration causes significant destabilization of the Palm domain of MEN1 (Huang J et al. Nature, 2012 Feb;482:542-6). This amino acid position is highly conserved in available vertebrate species. In addition, this alteration is predicted to be deleterious by in silico analysis. This variant was not reported in population-based cohorts in the Genome Aggregation Database (gnomAD). Based on the majority of available evidence to date, this variant is likely to be pathogenic.

Literature cited by the submitters: PubMed 26767918 (cited by Women's Health and Genetics/Laboratory Corporation of America, LabCorp); PubMed 18549467 (cited by Women's Health and Genetics/Laboratory Corporation of America, LabCorp and Ambry Genetics); PubMed 22327296 (cited by Ambry Genetics).

NM_001370259.2(MEN1):c.776T>C (p.Leu259Pro)

Gene: MEN1 (menin 1; minus strand). Cytogenetic location: 11q13.1.
Variant type: single nucleotide variant.
Coding change: c.776T>C on transcript NM_001370259.2 (MANE Select); coding-DNA position 776, T replaced by C.
Protein change: p.Leu259Pro; replaces leucine 259 with proline.
Molecular consequence: missense variant.
Genome position (GRCh38, 1-based): chr11:64,807,559, A>G on the plus strand (T>C on the coding strand, the complement: MEN1 is on the minus strand). VCF-style: chr11-64807559-A-G. GRCh37 (hg19) VCF-style: chr11-64575031-A-G.
Other names: c.791T>C, p.Leu264Pro (NM_000244.4, NM_130800.3, NM_130801.3 and 3 more transcripts); c.776T>C, p.Leu259Pro (NM_001370251.2, NM_001370260.2, NM_001370261.2 and 1 more transcripts); c.671T>C, p.Leu224Pro (NM_001370262.2, NM_001370263.2); short protein forms L224P, L259P, L264P.
Identifiers: ClinVar variation 1172868 (VCV001172868.4), dbSNP rs2136139920, ClinGen allele CA381184145.